The following is an entry in ClinVar:

NM_022132.5(MCCC2):c.599T>A (p.Ile200Asn)

Gene: MCCC2 (methylcrotonyl-CoA carboxylase subunit 2; plus strand). Cytogenetic location: 5q13.2.
Variant type: single nucleotide variant.
Coding change: c.599T>A on transcript NM_022132.5 (MANE Select); coding-DNA position 599, T replaced by A.
Protein change: p.Ile200Asn; replaces isoleucine 200 with asparagine.
Molecular consequence: missense variant.
Genome position (GRCh38, 1-based): chr5:71,604,443, T>A. VCF-style: chr5-71604443-T-A. GRCh37 (hg19) VCF-style: chr5-70900270-T-A.
Other names: NM_022132.4(MCCC2):c.599T>A(p.Ile200Asn); c.599T>A, p.Ile200Asn (NM_001363147.1); short protein forms I200N.
Identifiers: ClinVar variation 167278 (VCV000167278.58), dbSNP rs140806722, ClinGen allele CA234249.

ClinVar aggregate classification (germline): Conflicting classifications of pathogenicity. Review status: criteria provided, conflicting classifications (1 of 4 stars). 11 submissions from 11 submitters: Uncertain significance (7); Likely benign (3). 1 of the submissions does not count toward it. Last evaluated 2026-07-28.

Conditions:
Methylcrotonyl-CoA carboxylase deficiency. Also called: Deficiency of methylcrotonoyl-CoA carboxylase; 3-MCC Deficiency; 3 Methylcrotonylglycinuria. Identifiers: Orphanet 6, MedGen C4551505, MONDO:0018950.
3-methylcrotonyl-CoA carboxylase 2 deficiency. Also called: 3 alpha methylcrotonyl-CoA carboxylase 2 deficiency; 3 alpha methylcrotonylglycinuria 2; MCC 2 deficiency; Methylcrotonylglycinuria type 2; METHYLCROTONYLGLYCINURIA, TYPE II. Identifiers: Orphanet 6, MedGen C1859499, MONDO:0008862, OMIM 210210.

Allele frequency attached by ClinVar (database versions not stated): 1000 Genomes Project 30x 0.00094; gnomAD 0.00262 and 0.00253; ExAC 0.00197; ESP Exome Variant Server 0.00292; gnomAD exomes 0.00210 and 0.00404; 1000 Genomes Project 0.00100; TOPMed 0.00238.
gnomAD v4.1: 6,219 of 1,614,066 alleles (0.39%); highest among the groups gnomAD compares: Non-Finnish European, 0.49%; 18 homozygotes.

Submissions (11):

GeneDx
Classification: Uncertain significance. Last evaluated: 2026-07-28. Review status: criteria provided, single submitter. Criteria: GeneDx Variant Classification Process June 2021. Collection method: clinical testing. Allele origin: germline.
Comment: In silico analysis suggests that this missense variant does not alter protein structure/function; This variant is associated with the following publications: (PMID: 27601257, 34426522, 22642865, 25356967)

Labcorp Genetics (formerly Invitae), Labcorp
Classification: Likely benign for 3-methylcrotonyl-CoA carboxylase 2 deficiency. Last evaluated: 2026-01-28. Review status: criteria provided, single submitter. Criteria: Invitae Variant Classification Sherloc (09022015). Collection method: clinical testing. Allele origin: germline.

CeGaT Center for Human Genetics Tuebingen
Classification: Likely benign. Last evaluated: 2025-10-01. Review status: criteria provided, single submitter. Criteria: CeGaT Center For Human Genetics Tuebingen Variant Classification Criteria Version 2. Collection method: clinical testing. Allele origin: germline. Affected: yes. Observed: 4 variant alleles.
Comment: MCCC2: BS2

Women's Health and Genetics/Laboratory Corporation of America, LabCorp
Classification: Likely benign. Last evaluated: 2025-03-05. Review status: criteria provided, single submitter. Criteria: LabCorp Variant Classification Summary - May 2015. Collection method: clinical testing. Allele origin: germline.
Comment: Variant summary: MCCC2 c.599T>A (p.Ile200Asn) results in a non-conservative amino acid change located in the Acetyl-coenzyme A carboxyltransferase, N-terminal domain (IPR011762) of the encoded protein sequence. Three of five in-silico tools predict a benign effect of the variant on protein function. The variant allele was found at a frequency of 0.0039 in 1614066 control chromosomes, predominantly at a frequency of 0.0049 within the Non-Finnish European subpopulation in the gnomAD database, including 17 homozygotes. The observed variant frequency within Non-Finnish European control individuals in the gnomAD database is approximately 1.2 fold of the estimated maximal expected allele frequency for a pathogenic variant in MCCC2 causing Methylcrotonyl-CoA Carboxylase Deficiency phenotype (0.0042). c.599T>A has been reported in the literature in mothers who were identified with an elevated C5OH acylcarnitine level through their infant's newborn screening. These mothers were compound heterozygous with pathogenic variants but remained clinically asymptomatic (examples: Grunert_2012, Shepard_2015, Fonseca_2016). The following publications have been ascertained in the context of this evaluation (PMID: 27601257, 22642865, 25356967). ClinVar contains an entry for this variant (Variation ID: 167278). Based on the evidence outlined above, the variant was classified as likely benign.

ARUP Laboratories, Molecular Genetics and Genomics, ARUP Laboratories
Classification: Uncertain significance for 3-methylcrotonyl-CoA carboxylase 2 deficiency. Last evaluated: 2023-10-14. Review status: criteria provided, single submitter. Criteria: ARUP Molecular Germline Variant Investigation Process 2024. Collection method: clinical testing. Allele origin: germline.
Comment: The MCCC2 c.599T>A; p.Ile200Asn variant (rs140806722) has been reported in two asymptomatic individuals who also harbored a frameshift variant in the other MCCC2 allele; clinical information was not provided for one of these individuals, but the other had elevated 3-hydroxyisovaleric acid and 3-hydroxyisovalerylcarnitine (Grünert 2012 and Shepard 2015). The variant is reported as a variant of uncertain significance by multiple laboratories in ClinVar (Variant ID: 167278), and is found in the non-Finnish European population with an overall allele frequency of 0.39% (495/126,690 alleles, including 2 homozygotes) in the Genome Aggregation Database. The isoleucine at codon 200 is moderately conserved, and computational analyses (SIFT: tolerated, PolyPhen2: benign) predict conflicting effects of this variant on protein structure/function. Due to limited information, the clinical significance of the p.Ile200Asn variant is uncertain at this time.

Baylor Genetics
Classification: Uncertain significance for 3-methylcrotonyl-CoA carboxylase 2 deficiency. Last evaluated: 2023-03-23. Review status: criteria provided, single submitter. Criteria: ACMG Guidelines, 2015. Collection method: clinical testing. Allele origin: unknown.

SIB Swiss Institute of Bioinformatics
Classification: Uncertain significance for 3-methylcrotonyl-CoA carboxylase 2 deficiency. Last evaluated: 2018-05-31. Review status: criteria provided, single submitter. Criteria: ACMG Guidelines, 2015. Collection method: curation. Allele origin: unknown.
Comment: This variant is interpreted as a Uncertain Significance - Insufficient Evidence, for MCC2D, in Autosomal Recessive manner. The following ACMG Tag(s) were applied: PM2 => Absent from controls (or at extremely low frequency if recessive) in Exome Sequencing Project, 1000 Genomes Project, or Exome Aggregation Consortium. PM3 => For recessive disorders, detected in trans with a pathogenic variant (PMID:27601257).

Illumina Laboratory Services, Illumina
Classification: Uncertain significance for 3-methylcrotonyl-CoA carboxylase 2 deficiency. Last evaluated: 2017-04-27. Review status: criteria provided, single submitter. Criteria: ICSL Variant Classification Criteria 13 December 2019. Collection method: clinical testing. Allele origin: germline.
Comment: This variant was observed as part of a predisposition screen in an ostensibly healthy population. A literature search was performed for the gene, cDNA change, and amino acid change (where applicable). Publications were found based on this search. However, the evidence from the literature, in combination with allele frequency data from public databases where available, was not sufficient to rule this variant in or out of causing disease. Therefore, this variant is classified as a variant of unknown significance.

Center for Pediatric Genomic Medicine, Children's Mercy Hospital and Clinics
Classification: Uncertain significance. Last evaluated: 2015-10-09. Review status: criteria provided, single submitter. Criteria: ACMG Guidelines, 2015. Collection method: clinical testing. Allele origin: germline.
ClinVar note: Converted during submission from Uncertain Significance to Uncertain significance.

Eurofins Ntd Llc (ga)
Classification: Uncertain significance. Last evaluated: 2014-02-25. Review status: criteria provided, single submitter. Criteria: EGL Classification Definitions 2015. Collection method: clinical testing. Allele origin: germline. Observed: 8 variant alleles, 8 heterozygotes.

Natera, Inc.
Classification: Likely benign for 3-methylcrotonylglycinuria. Last evaluated: 2020-01-10. Review status: no assertion criteria provided. Collection method: clinical testing. Allele origin: germline. Not counted in ClinVar's aggregate classification.

Literature cited by the submitters: PubMed 27601257 (cited by Women's Health and Genetics/Laboratory Corporation of America, LabCorp and SIB Swiss Institute of Bioinformatics); PubMed 25356967 (cited by Women's Health and Genetics/Laboratory Corporation of America, LabCorp); PubMed 22642865 (cited by Women's Health and Genetics/Laboratory Corporation of America, LabCorp and Illumina Laboratory Services, Illumina).